The following is an entry in ClinVar:

NM_002439.5(MSH3):c.833A>C (p.His278Pro)

Gene: MSH3 (mutS homolog 3; plus strand). Cytogenetic location: 5q14.1.
Variant type: single nucleotide variant.
Coding change: c.833A>C on transcript NM_002439.5 (MANE Select); coding-DNA position 833, A replaced by C.
Protein change: p.His278Pro; replaces histidine 278 with proline.
Molecular consequence: missense variant.
Genome position (GRCh38, 1-based): chr5:80,672,284, A>C. VCF-style: chr5-80672284-A-C. GRCh37 (hg19) VCF-style: chr5-79968103-A-C.
Other names: short protein forms H278P.
Identifiers: ClinVar variation 858263 (VCV000858263.13), dbSNP rs1749740358, ClinGen allele CA360267138.

ClinVar aggregate classification (germline): Uncertain significance. Review status: criteria provided, multiple submitters, no conflicts (2 of 4 stars). 2 submissions from 2 submitters: Uncertain significance (2). Last evaluated 2025-09-14.

Conditions:
Hereditary cancer-predisposing syndrome. Also called: Tumor predisposition; Hereditary neoplastic syndrome; Neoplastic Syndromes, Hereditary; Hereditary Cancer Syndrome. Identifiers: Orphanet 140162, MedGen C0027672, MeSH D009386, MONDO:0015356.

Allele frequency attached by ClinVar (database versions not stated): gnomAD exomes below 0.00001.
gnomAD v4.1: 5 of 1,614,052 alleles (0.00031%); highest among the groups gnomAD compares: East Asian, 0.0089%; no homozygotes.

Submissions (2):

Labcorp Genetics (formerly Invitae), Labcorp
Classification: Uncertain significance. Last evaluated: 2025-09-14. Review status: criteria provided, single submitter. Criteria: Invitae Variant Classification Sherloc (09022015). Collection method: clinical testing. Allele origin: germline.
Comment: This sequence change replaces histidine, which is basic and polar, with proline, which is neutral and non-polar, at codon 278 of the MSH3 protein (p.His278Pro). This variant is not present in population databases (gnomAD no frequency). This variant has not been reported in the literature in individuals affected with MSH3-related conditions. ClinVar contains an entry for this variant (Variation ID: 858263). An algorithm developed to predict the effect of missense changes on protein structure and function (PolyPhen-2) suggests that this variant is likely to be disruptive. In summary, the available evidence is currently insufficient to determine the role of this variant in disease. Therefore, it has been classified as a Variant of Uncertain Significance.

Ambry Genetics
Classification: Uncertain significance for Hereditary cancer-predisposing syndrome. Last evaluated: 2025-07-04. Review status: criteria provided, single submitter. Criteria: Ambry Variant Classification Scheme 2023. Collection method: clinical testing. Allele origin: germline.
Comment: The p.H278P variant (also known as c.833A>C), located in coding exon 5 of the MSH3 gene, results from an A to C substitution at nucleotide position 833. The histidine at codon 278 is replaced by proline, an amino acid with similar properties. This amino acid position is conserved. In addition, the in silico prediction for this alteration is inconclusive. Since supporting evidence is limited at this time, the clinical significance of this alteration remains unclear.